The following is an entry in ClinVar:

NM_000642.3(AGL):c.2738C>A (p.Ser913Ter)

Gene: AGL (amylo-alpha-1,6-glucosidase and 4-alpha-glucanotransferase; plus strand). Cytogenetic location: 1p21.2.
Variant type: single nucleotide variant.
Coding change: c.2738C>A on transcript NM_000642.3 (MANE Select); coding-DNA position 2738, C replaced by A.
Protein change: p.Ser913Ter; replaces serine 913 with a stop codon.
Molecular consequence: nonsense.
Genome position (GRCh38, 1-based): chr1:99,888,034, C>A. VCF-style: chr1-99888034-C-A. GRCh37 (hg19) VCF-style: chr1-100353590-C-A.
Other names: c.2738C>A, p.Ser913Ter (NM_000028.3, NM_000643.3, NM_000644.3 and 2 more transcripts); c.2690C>A, p.Ser897Ter (NM_000646.3); c.2537C>A, p.Ser846Ter (NM_001425327.1); c.2534C>A, p.Ser845Ter (NM_001425328.1); c.2399C>A, p.Ser800Ter (NM_001425329.1); c.2360C>A, p.Ser787Ter (NM_001425332.1); short protein forms S897*, S913*, S787*, S800*, S845*, S846*.
Identifiers: ClinVar variation 984278 (VCV000984278.3), dbSNP rs1652583223, ClinGen allele CA341323018.

ClinVar aggregate classification (germline): Likely pathogenic (1 of 4 stars; one submission).

Conditions:
Glycogen storage disease type III (GSD3). Also called: Cori disease; FORBES DISEASE. Identifiers: Orphanet 366, MedGen C0017922, MONDO:0009291, OMIM 232400.

Submission:

Myriad Genetics, Inc.
Classification: Likely pathogenic for Glycogen storage disease type III. Last evaluated: 2019-03-02. Review status: criteria provided, single submitter. Criteria: Myriad Women's Health Autosomal Recessive and X-Linked Classification Criteria (2019). Collection method: clinical testing. Allele origin: unknown.
Comment: NM_000642.2(AGL):c.2738C>A(S913*) is expected to be pathogenic in the context of glycogen storage disease type III. This variant is predicted to lead to an abnormal or absent protein product due to the creation of a premature termination codon in AGL, a gene where loss-of-function variants are known to be pathogenic. Please note: this variant was assessed in the context of healthy population screening.